The following is an entry in ClinVar:

ClinVar aggregate classification (germline): Uncertain significance (1 of 4 stars; one submission).

Conditions:
Rafiq syndrome (RAFQS). Identifiers: Orphanet 88616, MedGen C3280127, MONDO:0013624, OMIM 614202.

Submission:

Labcorp Genetics (formerly Invitae), Labcorp
Classification: Uncertain significance for Rafiq syndrome. Last evaluated: 2022-06-11. Review status: criteria provided, single submitter. Criteria: Invitae Variant Classification Sherloc (09022015). Collection method: clinical testing. Allele origin: germline.
Comment: In summary, the available evidence is currently insufficient to determine the role of this variant in disease. Therefore, it has been classified as a Variant of Uncertain Significance. Algorithms developed to predict the effect of missense changes on protein structure and function are either unavailable or do not agree on the potential impact of this missense change (SIFT: "Deleterious"; PolyPhen-2: "Probably Damaging"; Align-GVGD: "Class C15"). This variant has not been reported in the literature in individuals affected with MAN1B1-related conditions. This variant is not present in population databases (gnomAD no frequency). This sequence change replaces alanine, which is neutral and non-polar, with valine, which is neutral and non-polar, at codon 690 of the MAN1B1 protein (p.Ala690Val).

NM_016219.5(MAN1B1):c.2069C>T (p.Ala690Val)

Gene: MAN1B1 (mannosidase alpha class 1B member 1; plus strand). Cytogenetic location: 9q34.3.
Variant type: single nucleotide variant.
Coding change: c.2069C>T on transcript NM_016219.5 (MANE Select); coding-DNA position 2069, C replaced by T.
Protein change: p.Ala690Val; replaces alanine 690 with valine.
Molecular consequence: missense variant. On other transcripts: non-coding transcript variant (2).
Genome position (GRCh38, 1-based): chr9:137,108,560, C>T. VCF-style: chr9-137108560-C-T. GRCh37 (hg19) VCF-style: chr9-140003012-C-T.
Other names: c.1961C>T, p.Ala654Val (NM_007230.1); short protein forms A690V, A654V.
Identifiers: ClinVar variation 2004852 (VCV002004852.4), dbSNP rs2538454140, ClinGen allele CA375709291.